The following is an entry in ClinVar:

ClinVar aggregate classification (germline): Uncertain significance. Review status: criteria provided, multiple submitters, no conflicts (2 of 4 stars). 2 submissions from 2 submitters: Uncertain significance (2). Last evaluated 2025-11-07.

Conditions:
Neuropathy, hereditary sensory and autonomic, type 2A (HSAN2A). Also called: HSAN IIA; ACROOSTEOLYSIS, GIACCAI TYPE; ACROOSTEOLYSIS, NEUROGENIC; MORVAN DISEASE; NEUROPATHY, CONGENITAL SENSORY; NEUROPATHY, HEREDITARY SENSORY RADICULAR, AUTOSOMAL RECESSIVE. Identifiers: Orphanet 970, MedGen C2752089, MONDO:0024309, OMIM 201300.
Generalized epilepsy with febrile seizures plus, type 7 (GEFSP7). Also called: GEFS+, TYPE 7. Identifiers: Orphanet 36387, MedGen C2751778, MONDO:0013470, OMIM 613863.

Submissions (2):

Labcorp Genetics (formerly Invitae), Labcorp
Classification: Uncertain significance for Neuropathy, hereditary sensory and autonomic, type 2A; Generalized epilepsy with febrile seizures plus, type 7. Last evaluated: 2025-11-07. Review status: criteria provided, single submitter. Criteria: Invitae Variant Classification Sherloc (09022015). Collection method: clinical testing. Allele origin: germline.
Comment: This sequence change replaces leucine, which is neutral and non-polar, with histidine, which is basic and polar, at codon 1189 of the SCN9A protein (p.Leu1189His). This variant is not present in population databases (gnomAD no frequency). This variant has not been reported in the literature in individuals affected with SCN9A-related conditions. ClinVar contains an entry for this variant (Variation ID: 844915). Invitae Evidence Modeling of protein sequence and biophysical properties (such as structural, functional, and spatial information, amino acid conservation, physicochemical variation, residue mobility, and thermodynamic stability) indicates that this missense variant is not expected to disrupt SCN9A protein function with a negative predictive value of 95%. In summary, the available evidence is currently insufficient to determine the role of this variant in disease. Therefore, it has been classified as a Variant of Uncertain Significance.

ARUP Laboratories, Molecular Genetics and Genomics, ARUP Laboratories
Classification: Uncertain significance. Last evaluated: 2019-09-17. Review status: criteria provided, single submitter. Criteria: ARUP Molecular Germline Variant Investigation Process. Collection method: clinical testing. Allele origin: germline.
Comment: The SCN9A c.3566T>A; p.Leu1189His variant, to our knowledge, is not reported in the medical literature or gene specific databases. This variant is also absent from general population databases (Exome Variant Server, Genome Aggregation Database), indicating it is not a common polymorphism. The leucine at codon 1189 is highly conserved, and computational analyses (SIFT, PolyPhen-2) predict that this variant is deleterious. Due to limited information, the clinical significance of the p.Leu1189His variant is uncertain at this time.

NM_001365536.1(SCN9A):c.3599T>A (p.Leu1200His)

Genes: SCN9A (sodium voltage-gated channel alpha subunit 9; minus strand), SCN1A-AS1 (SCN1A and SCN9A antisense RNA 1; plus strand). Cytogenetic location: 2q24.3.
Variant type: single nucleotide variant.
Coding change: c.3599T>A on transcript NM_001365536.1 (MANE Select); coding-DNA position 3599, T replaced by A.
Protein change: p.Leu1200His; replaces leucine 1200 with histidine.
Molecular consequence: missense variant.
Genome position (GRCh38, 1-based): chr2:166,242,530, A>T on the plus strand (T>A on the coding strand, the complement: SCN9A is on the minus strand). VCF-style: chr2-166242530-A-T. GRCh37 (hg19) VCF-style: chr2-167099040-A-T.
Other names: c.3566T>A, p.Leu1189His (NM_002977.4); short protein forms L1200H, L1189H.
Identifiers: ClinVar variation 844915 (VCV000844915.18), dbSNP rs1342493346, ClinGen allele CA349070115.